The following is an entry in ClinVar:

NM_001112741.2(KCNC1):c.1292C>G (p.Pro431Arg)

Gene: KCNC1 (potassium voltage-gated channel subfamily C member 1; plus strand). Cytogenetic location: 11p15.1.
Variant type: single nucleotide variant.
Coding change: c.1292C>G on transcript NM_001112741.2 (MANE Select); coding-DNA position 1292, C replaced by G.
Protein change: p.Pro431Arg; replaces proline 431 with arginine.
Molecular consequence: missense variant.
Genome position (GRCh38, 1-based): chr11:17,772,386, C>G. VCF-style: chr11-17772386-C-G. GRCh37 (hg19) VCF-style: chr11-17793933-C-G.
Other names: c.1292C>G, p.Pro431Arg (NM_004976.4); short protein forms P431R.
Identifiers: ClinVar variation 3770076 (VCV003770076.1).
Genomic context (GRCh38, chr11:17,772,386, plus strand): 5'-GGTCCGGCATGCTGGTGGGGGCTCTGTGTGCGCTGGCGGGCGTGCTCACCATCGCCATGC[C>G]CGTGCCCGTCATCGTGAACAATTTCGGGATGTATTACTCCTTAGCCATGGCTAAGCAGAA-3'
Protein context (NP_001106212.1, residues 421-441): ALAGVLTIAM[Pro431Arg]VPVIVNNFGM

ClinVar aggregate classification (germline): Uncertain significance (1 of 4 stars; one submission).

Submission:

GeneDx
Classification: Uncertain significance. Last evaluated: 2024-09-12. Review status: criteria provided, single submitter. Criteria: GeneDx Variant Classification Process June 2021. Collection method: clinical testing. Allele origin: germline. Affected: yes.
Comment: Not observed at significant frequency in large population cohorts (gnomAD); In silico analysis supports that this missense variant has a deleterious effect on protein structure/function; Has not been previously published as pathogenic or benign to our knowledge